The following is an entry in ClinVar:

ClinVar aggregate classification (germline): Uncertain significance (1 of 4 stars; one submission).

Conditions:
Dilated cardiomyopathy 1G (CMD1G). Identifiers: Orphanet 154, MedGen C1858763, MONDO:0011400, OMIM 604145.
Autosomal recessive limb-girdle muscular dystrophy type 2J (LGMDR10). Also called: Limb-girdle muscular dystrophy, type 2J; MUSCULAR DYSTROPHY, LIMB-GIRDLE, AUTOSOMAL RECESSIVE 10. Identifiers: Orphanet 140922, MedGen C1837342, MONDO:0012127, OMIM 608807.

Allele frequency attached by ClinVar (database versions not stated): ExAC 0.00001; TOPMed 0.00001.
gnomAD v4.1: 3 of 1,613,886 alleles (0.00019%); highest among the groups gnomAD compares: Admixed American, 0.0017%; no homozygotes.

Submission:

Labcorp Genetics (formerly Invitae), Labcorp
Classification: Uncertain significance for Dilated cardiomyopathy 1G; Autosomal recessive limb-girdle muscular dystrophy type 2J. Last evaluated: 2020-06-13. Review status: criteria provided, single submitter. Criteria: Invitae Variant Classification Sherloc (09022015). Collection method: clinical testing. Allele origin: germline.
Comment: Algorithms developed to predict the effect of missense changes on protein structure and function are unavailable for the TTN gene. This variant is located in the M band of TTN (PMID: 25589632). Variants in this region may be relevant for neuromuscular disorders, but have not been definitively shown to cause cardiomyopathy (PMID: 23975875). In summary, the available evidence is currently insufficient to determine the role of this variant in disease. Therefore, it has been classified as a Variant of Uncertain Significance. This variant is present in population databases (rs766892661, ExAC 0.009%). This sequence change replaces alanine with proline at codon 35412 of the TTN protein (p.Ala35412Pro). There is a small physicochemical difference between alanine and proline. This variant has not been reported in the literature in individuals with TTN-related conditions. The proline amino acid residue is found in multiple mammalian species, suggesting that this missense change does not adversely affect protein function. These predictions have not been confirmed by published functional studies and their clinical significance is uncertain.

Literature cited by the submitters: PubMed 25589632; PubMed 23975875.

NM_001267550.2(TTN):c.106234G>C (p.Ala35412Pro)

Genes: TTN (titin; minus strand), TTN-AS1 (TTN antisense RNA 1; plus strand). Cytogenetic location: 2q31.2.
Variant type: single nucleotide variant.
Coding change: c.106234G>C on transcript NM_001267550.2 (MANE Select); coding-DNA position 106234, G replaced by C.
Protein change: p.Ala35412Pro; replaces alanine 35412 with proline.
Molecular consequence: missense variant.
Genome position (GRCh38, 1-based): chr2:178,530,381, C>G on the plus strand (G>C on the coding strand, the complement: TTN is on the minus strand). VCF-style: chr2-178530381-C-G. GRCh37 (hg19) VCF-style: chr2-179395108-C-G.
Other names: c.101311G>C, p.Ala33771Pro (NM_001256850.1); c.79039G>C, p.Ala26347Pro (NM_003319.4); c.98530G>C, p.Ala32844Pro (NM_133378.4); c.79414G>C, p.Ala26472Pro (NM_133432.3); c.79615G>C, p.Ala26539Pro (NM_133437.4); short protein forms A26347P, A26472P, A26539P, A32844P, A33771P, A35412P.
Identifiers: ClinVar variation 1052417 (VCV001052417.7), dbSNP rs766892661, ClinGen allele CA1985142.
Genomic context (GRCh38, chr2:178,530,381, plus strand): 5'-AAACAGTTGTATCCTGCAACCCAGTAACAATTACTGGTTTTGAGGAAATTGGTTCAGGAG[C>G]TTTTGGTTCAGTTTTTCTGGTTACTGTTGACTCAGTGGTTTTCTGATCTGATTTCTTAGT-3'
Protein context (NP_001254479.2, residues 35402-35422): STVTRKTEPK[Ala35412Pro]PEPISSKPVI